The following is an entry in ClinVar:

NM_152730.6(TBC1D32):c.564G>A (p.Glu188=)

Gene: TBC1D32 (TBC1 domain family member 32; minus strand). Cytogenetic location: 6q22.31.
Variant type: single nucleotide variant.
Coding change: c.564G>A on transcript NM_152730.6 (MANE Select); coding-DNA position 564, G replaced by A.
Protein change: p.Glu188=; no amino-acid change (glutamic acid 188 retained).
Molecular consequence: synonymous variant. On other transcripts: non-coding transcript variant (1).
Genome position (GRCh38, 1-based): chr6:121,310,779, C>T on the plus strand (G>A on the coding strand, the complement: TBC1D32 is on the minus strand). VCF-style: chr6-121310779-C-T. GRCh37 (hg19) VCF-style: chr6-121631925-C-T.
Other names: c.564G>A, p.Glu188= (NM_001367759.1, NM_001367760.1).
Identifiers: ClinVar variation 2810442 (VCV002810442.3), dbSNP rs2536469593, ClinGen allele CA451972745.

ClinVar aggregate classification (germline): Uncertain significance (1 of 4 stars; one submission).

Submission:

Labcorp Genetics (formerly Invitae), Labcorp
Classification: Uncertain significance. Last evaluated: 2022-11-14. Review status: criteria provided, single submitter. Criteria: Invitae Variant Classification Sherloc (09022015). Collection method: clinical testing. Allele origin: germline.
Comment: This sequence change affects codon 188 of the TBC1D32 mRNA. It is a 'silent' change, meaning that it does not change the encoded amino acid sequence of the TBC1D32 protein. This variant also falls at the last nucleotide of exon 4, which is part of the consensus splice site for this exon. This variant is not present in population databases (gnomAD no frequency). This variant has not been reported in the literature in individuals affected with TBC1D32-related conditions. In summary, the available evidence is currently insufficient to determine the role of this variant in disease. Therefore, it has been classified as a Variant of Uncertain Significance. Variants that disrupt the consensus splice site are a relatively common cause of aberrant splicing (PMID: 17576681, 9536098). Algorithms developed to predict the effect of sequence changes on RNA splicing suggest that this variant may disrupt the consensus splice site.

Literature cited by the submitters: PubMed 17576681; PubMed 9536098.